The following is an entry in ClinVar:

NM_002382.5(MAX):c.296-15T>C

Gene: MAX (MYC associated transcriptional regulator X; minus strand). Cytogenetic location: 14q23.3.
Variant type: single nucleotide variant.
Coding change: c.296-15T>C on transcript NM_002382.5 (MANE Select); 15 bases into the intron before coding-DNA position 296, T replaced by C.
Molecular consequence: intron variant.
Genome position (GRCh38, 1-based): chr14:65,076,678, A>G on the plus strand (T>C on the coding strand, the complement: MAX is on the minus strand). VCF-style: chr14-65076678-A-G. GRCh37 (hg19) VCF-style: chr14-65543396-A-G.
Other names: c.144+17030T>C (NM_001271069.2); c.171+17030T>C (NM_197957.4); c.269-15T>C (NM_145112.3); c.107-15T>C (NM_001320415.2); c.*85-15T>C (NM_145113.3).
Identifiers: ClinVar variation 1557372 (VCV001557372.9), dbSNP rs760244573, ClinGen allele CA7232815.

ClinVar aggregate classification (germline): Likely benign. Review status: criteria provided, multiple submitters, no conflicts (2 of 4 stars). 2 submissions from 2 submitters: Likely benign (2). Last evaluated 2026-06-08.

Conditions:
Hereditary pheochromocytoma and paraganglioma. Also called: Hereditary Paraganglioma-Pheochromocytoma Syndromes; Hereditary paragangliomas and pheochromocytomas; Hereditary pheochromocytoma-paraganglioma. Identifiers: Orphanet 29072, MedGen C4274332, MONDO:0017366.
Pheochromocytoma. Also called: MAX-Related Hereditary Paraganglioma-Pheochromocytoma Syndrome. Identifiers: Orphanet 29072, MedGen C0031511, MONDO:0008233, OMIM 171300, HP:0002666.

Allele frequency attached by ClinVar (database versions not stated): gnomAD exomes 0.00001 and below 0.00001; ExAC 0.00001.
gnomAD v4.1: 18 of 1,614,192 alleles (0.0011%); highest among the groups gnomAD compares: Non-Finnish European, 0.0015%; no homozygotes.

Submissions (2):

Myriad Genetics, Inc.
Classification: Likely benign for Pheochromocytoma. Last evaluated: 2026-06-08. Review status: criteria provided, single submitter. Criteria: Myriad Autosomal Dominant, Autosomal Recessive and X-Linked Classification Criteria (2023). Collection method: clinical testing. Allele origin: unknown.
Comment: This variant is considered likely benign. This variant is intronic and is not expected to impact mRNA splicing.

Labcorp Genetics (formerly Invitae), Labcorp
Classification: Likely benign for Hereditary pheochromocytoma and paraganglioma. Last evaluated: 2026-01-07. Review status: criteria provided, single submitter. Criteria: Invitae Variant Classification Sherloc (09022015). Collection method: clinical testing. Allele origin: germline.